The following is an entry in ClinVar:

NM_032608.7(MYO18B):c.3446C>T (p.Thr1149Ile)

Gene: MYO18B (myosin XVIIIB; plus strand). Cytogenetic location: 22q12.1.
Variant type: single nucleotide variant.
Coding change: c.3446C>T on transcript NM_032608.7 (MANE Select); coding-DNA position 3446, C replaced by T.
Protein change: p.Thr1149Ile; replaces threonine 1149 with isoleucine.
Molecular consequence: missense variant.
Genome position (GRCh38, 1-based): chr22:25,846,177, C>T. VCF-style: chr22-25846177-C-T. GRCh37 (hg19) VCF-style: chr22-26242144-C-T.
Other names: c.3449C>T, p.Thr1150Ile (NM_001318245.2); short protein forms T1150I, T1149I.
Identifiers: ClinVar variation 1489069 (VCV001489069.4), dbSNP rs2090237803, ClinGen allele CA410999235.

ClinVar aggregate classification (germline): Uncertain significance (1 of 4 stars; one submission).

Allele frequency attached by ClinVar (database versions not stated): gnomAD exomes below 0.00001.

Submission:

Labcorp Genetics (formerly Invitae), Labcorp
Classification: Uncertain significance. Last evaluated: 2025-10-01. Review status: criteria provided, single submitter. Criteria: Invitae Variant Classification Sherloc (09022015). Collection method: clinical testing. Allele origin: germline.
Comment: This sequence change replaces threonine, which is neutral and polar, with isoleucine, which is neutral and non-polar, at codon 1149 of the MYO18B protein (p.Thr1149Ile). This variant is not present in population databases (gnomAD no frequency). This variant has not been reported in the literature in individuals affected with MYO18B-related conditions. ClinVar contains an entry for this variant (Variation ID: 1489069). An algorithm developed to predict the effect of missense changes on protein structure and function (PolyPhen-2) suggests that this variant is likely to be disruptive. In summary, the available evidence is currently insufficient to determine the role of this variant in disease. Therefore, it has been classified as a Variant of Uncertain Significance.